The following is an entry in ClinVar:

ClinVar aggregate classification (germline): Pathogenic (1 of 4 stars; one submission).

Conditions:
Hypogonadotropic hypogonadism 2 with or without anosmia (HH2). Also called: HYPOGONADOTROPIC HYPOGONADISM 2 WITHOUT ANOSMIA; HYPOGONADOTROPIC HYPOGONADISM 2 WITH OR WITHOUT ANOSMIA, SUSCEPTIBILITY TO; HYPOGONADOTROPIC HYPOGONADISM 2 WITHOUT ANOSMIA, SUSCEPTIBILITY TO; FGFR1-Related GnRH Deficiency (Kallmann Syndrome 2). Identifiers: Orphanet 478, MedGen C1563720, MONDO:0007844, OMIM 147950. Disease mechanism: loss of function.
Pfeiffer syndrome (ACS5). Also called: ACS V. Identifiers: Orphanet 710, MedGen C0220658, MONDO:0007043, OMIM 101600.

Submission:

Labcorp Genetics (formerly Invitae), Labcorp
Classification: Pathogenic for Pfeiffer syndrome; Hypogonadotropic hypogonadism 2 with or without anosmia. Last evaluated: 2022-05-21. Review status: criteria provided, single submitter. Criteria: Invitae Variant Classification Sherloc (09022015). Collection method: clinical testing. Allele origin: germline.
Comment: This sequence change creates a premature translational stop signal (p.Val38Trpfs*65) in the FGFR1 gene. It is expected to result in an absent or disrupted protein product. Loss-of-function variants in FGFR1 are known to be pathogenic (PMID: 12627230). For these reasons, this variant has been classified as Pathogenic. This variant has not been reported in the literature in individuals affected with FGFR1-related conditions. This variant is not present in population databases (gnomAD no frequency).

Literature cited by the submitters: PubMed 12627230.

NM_023110.3(FGFR1):c.111del (p.Val38fs)

Gene: FGFR1 (fibroblast growth factor receptor 1; minus strand). Cytogenetic location: 8p11.23.
Variant type: Deletion.
Coding change: c.111del on transcript NM_023110.3 (MANE Select); coding-DNA position 111, one base deleted (T; older notation c.111delT).
Protein change: p.Val38fs; shifts the reading frame from valine 38.
Molecular consequence: frameshift variant. On other transcripts: intron variant (5).
Genome position (GRCh38, 1-based): chr8:38,429,929, A deleted on the plus strand (T on the coding strand, the reverse complement: FGFR1 is on the minus strand). VCF-style (leftmost placement, unchanged base first): chr8-38429928-CA-C. GRCh37 (hg19) VCF-style: chr8-38287446-CA-C.
Other names: c.111delT, p.Val38Trpfs (NM_000604.2, NM_001410922.1); c.111del, p.Val38fs (NM_001174063.2, NM_001174065.2, NM_001354367.2 and 2 more transcripts); c.87del, p.Val30fs (NM_001174064.2); c.210del, p.Val71fs (NM_001174067.2); c.92-1494del (NM_001354368.2, NM_001354370.2, NM_023106.3 and 2 more transcripts); short protein forms V30fs, V38fs, V71fs.
Identifiers: ClinVar variation 1997422 (VCV001997422.4), dbSNP rs2537271517, ClinGen allele CA2580078256.